The following is an entry in ClinVar:

ClinVar aggregate classification (germline): Likely benign. Review status: criteria provided, multiple submitters, no conflicts (2 of 4 stars). 2 submissions from 2 submitters: Likely benign (2). Last evaluated 2023-09-17.

Conditions:
Cardiomyopathy (CMYO). Also called: Cardiomyopathies. Identifiers: Orphanet 167848, MedGen C0878544, MONDO:0004994, HP:0001638. Inheritance: Various modes of inheritance.
Catecholaminergic polymorphic ventricular tachycardia (CVPT). Also called: Catecholamine-induced polymorphic ventricular tachycardia. Identifiers: Orphanet 3286, MedGen C5574922, MONDO:0017990.

Submissions (2):

All of Us Research Program, National Institutes of Health
Classification: Likely benign for Catecholaminergic polymorphic ventricular tachycardia. Last evaluated: 2023-09-17. Review status: criteria provided, single submitter. Criteria: ACMG Guidelines, 2015. Collection method: clinical testing. Allele origin: germline. Inheritance: Autosomal dominant inheritance. Observed: 1 variant allele, 1 heterozygote.
Comment: This study involves interpretation of variants in research participants for the purpose of population health screening. Participant phenotype was not available at the time of variant classification. Additional details can be found in publication PMID: 35346344, PMCID: PMC8962531

Color Diagnostics, LLC DBA Color Health
Classification: Likely benign for Cardiomyopathy. Last evaluated: 2023-09-06. Review status: criteria provided, single submitter. Criteria: ACMG Guidelines, 2015. Collection method: clinical testing. Allele origin: germline.

NM_001035.3(RYR2):c.7857A>G (p.Lys2619=)

Gene: RYR2 (ryanodine receptor 2; plus strand). Cytogenetic location: 1q43.
Variant type: single nucleotide variant.
Coding change: c.7857A>G on transcript NM_001035.3 (MANE Select); coding-DNA position 7857, A replaced by G.
Protein change: p.Lys2619=; no amino-acid change (lysine 2619 retained).
Molecular consequence: synonymous variant.
Genome position (GRCh38, 1-based): chr1:237,654,306, A>G. VCF-style: chr1-237654306-A-G. GRCh37 (hg19) VCF-style: chr1-237817606-A-G.
Identifiers: ClinVar variation 3073382 (VCV003073382.2), dbSNP rs2547070170, ClinGen allele CA423820345.